The following is an entry in ClinVar:

ClinVar aggregate classification (germline): Uncertain significance (1 of 4 stars; one submission).

Conditions:
KIDINS220-related disorder. Also called: KIDINS220-related condition.

Submission:

PreventionGenetics, part of Exact Sciences
Classification: Uncertain significance for KIDINS220-related condition. Last evaluated: 2023-09-07. Review status: criteria provided, single submitter. Criteria: ACMG Guidelines, 2015. Collection method: clinical testing. Allele origin: germline.
Comment: The KIDINS220 c.4527delT variant is predicted to result in a frameshift and premature protein termination (p.Lys1510Argfs*40). To our knowledge, this variant has not been reported in the literature or in a large population database, indicating this variant is rare. Loss-of-function variants in this gene have been reported to be pathogenic for KIDINS220-related disorders (Human Gene Mutation Database – HGMD). To our knowledge, however, no frameshifting variants at the downstream region of this variant have been reported in the literature. Although we highly suspect that this variant is pathogenic, at this time, the clinical significance of this variant is uncertain due to the absence of conclusive functional and genetic evidence.

NM_020738.4(KIDINS220):c.4527del (p.Lys1510fs)

Gene: KIDINS220 (kinase D interacting substrate 220; minus strand). Cytogenetic location: 2p25.1.
Variant type: Deletion.
Coding change: c.4527del on transcript NM_020738.4 (MANE Select); coding-DNA position 4527, one base deleted (T; older notation c.4527delT).
Protein change: p.Lys1510fs; shifts the reading frame from lysine 1510.
Molecular consequence: frameshift variant. On other transcripts: intron variant (6).
Genome position (GRCh38, 1-based): chr2:8,731,509, A deleted on the plus strand (T on the coding strand, the reverse complement: KIDINS220 is on the minus strand); the first of 2 consecutive A bases (chr2:8,731,509-8,731,510); deleting either gives the same sequence. VCF-style (leftmost placement, unchanged base first): chr2-8731508-TA-T. GRCh37 (hg19) VCF-style: chr2-8871638-TA-T.
Other names: c.4530del, p.Lys1511fs (NM_001348729.2); c.4473del, p.Lys1492fs (NM_001348731.2); c.4470del, p.Lys1491fs (NM_001348732.2); c.4359del, p.Lys1454fs (NM_001348734.2); c.4356del, p.Lys1453fs (NM_001348735.2); c.4230del, p.Lys1411fs (NM_001348736.2); c.3882+1935del (NM_001348741.2, NM_001348742.2, NM_001348743.2); c.3996+1935del (NM_001348738.2); and 1 more; short protein forms K1411fs, K1453fs, K1454fs, K1491fs, K1492fs, K1510fs, K1511fs.
Identifiers: ClinVar variation 2631117 (VCV002631117.1), dbSNP rs2527401567, ClinGen allele CA2695200419.
Genomic context (GRCh38, chr2:8,731,508, plus strand): 5'-CTTCTGTGCCAGATTCATCCTCGTCACTTGGGAGTTTTTGATAGCGCAGCCCACTTCCCT[TA>T]AGCTTCAAATCTGTCTGGAAGAGGCTTGACCTTTCGGAAGATTTCTTGCCTGGGAGAAGC-3'